The following is an entry in ClinVar:

NM_030948.6(PHACTR1):c.294C>T (p.Leu98=)

Gene: PHACTR1 (phosphatase and actin regulator 1; plus strand). Cytogenetic location: 6p24.1.
Variant type: single nucleotide variant.
Coding change: c.294C>T on transcript NM_030948.6 (MANE Select); coding-DNA position 294, C replaced by T.
Protein change: p.Leu98=; no amino-acid change (leucine 98 retained).
Molecular consequence: synonymous variant.
Genome position (GRCh38, 1-based): chr6:13,053,408, C>T. VCF-style: chr6-13053408-C-T. GRCh37 (hg19) VCF-style: chr6-13053640-C-T.
Other names: c.294C>T, p.Leu98= (NM_001242648.4, NM_001322308.3, NM_001322309.3 and 3 more transcripts); c.18C>T, p.Leu6= (NM_001322311.2, NM_001322312.3, NM_001322313.2 and 1 more transcripts); c.297C>T, p.Leu99= (NM_001322314.4).
Identifiers: ClinVar variation 3030612 (VCV003030612.9), dbSNP rs373688362, ClinGen allele CA3638986.

ClinVar aggregate classification (germline): Likely benign. Review status: criteria provided, single submitter (1 of 4 stars). 2 submissions from 2 submitters: Likely benign (1). 1 of the submissions does not count toward it. Last evaluated 2025-04-01.

Conditions:
PHACTR1-related disorder. Also called: PHACTR1-related condition.

Allele frequency attached by ClinVar (database versions not stated): ExAC 0.00011; gnomAD 0.00013; TOPMed 0.00015; ESP Exome Variant Server 0.00016.
gnomAD v4.1: 187 of 1,613,122 alleles (0.012%); highest among the groups gnomAD compares: Admixed American, 0.025%; no homozygotes.

Submissions (2):

CeGaT Center for Human Genetics Tuebingen
Classification: Likely benign. Last evaluated: 2025-04-01. Review status: criteria provided, single submitter. Criteria: CeGaT Center For Human Genetics Tuebingen Variant Classification Criteria Version 2. Collection method: clinical testing. Allele origin: germline. Affected: yes. Observed: 1 variant allele.
Comment: PHACTR1: BP4, BP7

PreventionGenetics, part of Exact Sciences
Classification: Likely benign for PHACTR1-related condition. Last evaluated: 2021-06-18. Review status: no assertion criteria provided. Collection method: clinical testing. Allele origin: germline. Not counted in ClinVar's aggregate classification.
Comment: This variant is classified as likely benign based on ACMG/AMP sequence variant interpretation guidelines (Richards et al. 2015 PMID: 25741868, with internal and published modifications).